The following is an entry in ClinVar:

NM_001375524.1(TRRAP):c.8634+7C>T

Gene: TRRAP (transformation/transcription domain associated protein; plus strand). Cytogenetic location: 7q22.1.
Variant type: single nucleotide variant.
Coding change: c.8634+7C>T on transcript NM_001375524.1 (MANE Select); 7 bases into the intron after coding-DNA position 8634, C replaced by T.
Molecular consequence: intron variant.
Genome position (GRCh38, 1-based): chr7:98,978,911, C>T. VCF-style: chr7-98978911-C-T. GRCh37 (hg19) VCF-style: chr7-98576534-C-T.
Other names: c.8613+7C>T (NM_001244580.2); c.8559+7C>T (NM_003496.4).
Identifiers: ClinVar variation 790356 (VCV000790356.10), dbSNP rs369939221, ClinGen allele CA4361489.

ClinVar aggregate classification (germline): Likely benign. Review status: criteria provided, multiple submitters, no conflicts (2 of 4 stars). 3 submissions from 3 submitters: Likely benign (2). 1 of the submissions does not count toward it. Last evaluated 2025-05-27.

Conditions:
TRRAP-related disorder. Also called: TRRAP-related condition.

Allele frequency attached by ClinVar (database versions not stated): ExAC 0.00021; gnomAD 0.00023 and 0.00029; gnomAD exomes 0.00023; TOPMed 0.00028; ESP Exome Variant Server 0.00038.
gnomAD v4.1: 573 of 1,613,436 alleles (0.036%); highest among the groups gnomAD compares: Non-Finnish European, 0.045%; no homozygotes.

Submissions (3):

Labcorp Genetics (formerly Invitae), Labcorp
Classification: Likely benign. Last evaluated: 2025-05-27. Review status: criteria provided, single submitter. Criteria: Invitae Variant Classification Sherloc (09022015). Collection method: clinical testing. Allele origin: germline.

Blueprint Genetics
Classification: Likely benign. Last evaluated: 2023-11-28. Review status: criteria provided, single submitter. Criteria: ACMG Guidelines, 2015. Collection method: clinical testing. Allele origin: germline.

PreventionGenetics, part of Exact Sciences
Classification: Likely benign for TRRAP-related condition. Last evaluated: 2024-01-16. Review status: no assertion criteria provided. Collection method: clinical testing. Allele origin: germline. Not counted in ClinVar's aggregate classification.
Comment: This variant is classified as likely benign based on ACMG/AMP sequence variant interpretation guidelines (Richards et al. 2015 PMID: 25741868, with internal and published modifications).